The following is an entry in ClinVar:

ClinVar aggregate classification (germline): Uncertain significance. Review status: criteria provided, multiple submitters, no conflicts (2 of 4 stars). 6 submissions from 6 submitters: Uncertain significance (6). Last evaluated 2026-04-05.

Conditions:
Neonatal diabetes mellitus with congenital hypothyroidism. Also called: NDH SYNDROME. Identifiers: Orphanet 79118, MedGen C1857775, MONDO:0012436, OMIM 610199.
Monogenic diabetes. Identifiers: Orphanet 183625, MedGen C3888631, MONDO:0015967.
GLIS3-related disorder. Also called: GLIS3-related condition.

Allele frequency attached by ClinVar (database versions not stated): ESP Exome Variant Server 0.00010; gnomAD 0.00017 and 0.00019; TOPMed 0.00019; gnomAD exomes 0.00020; ExAC 0.00030.
gnomAD v4.1: 454 of 1,574,282 alleles (0.029%); highest among the groups gnomAD compares: Non-Finnish European, 0.037%; no homozygotes.

Submissions (6):

PreventionGenetics, part of Exact Sciences
Classification: Uncertain significance for GLIS3-related condition. Last evaluated: 2026-04-05. Review status: criteria provided, single submitter. Criteria: ACMG Guidelines, 2015. Collection method: clinical testing. Allele origin: germline.
Comment: The GLIS3 c.1154G>T variant is predicted to result in the amino acid substitution p.Gly385Val. This variant has not been reported in association with GLIS3-related disorders. This variant is reported in 0.032% of alleles in individuals of European (Non-Finnish) descent in gnomAD. At this time, the clinical significance of this variant is uncertain due to the absence of conclusive functional and genetic evidence.

Clinical Genomics Laboratory, Washington University in St. Louis
Classification: Uncertain significance for Neonatal diabetes mellitus with congenital hypothyroidism. Last evaluated: 2024-05-16. Review status: criteria provided, single submitter. Criteria: ACMG Guidelines, 2015. Collection method: clinical testing. Allele origin: germline.
Comment: The GLIS3 c.1154G>T (p.Gly385Val) was identified. This variant, to our knowledge, has not been reported in the medical literature. This variant has been reported in the ClinVar database as a variant of uncertain significance by two submitters (ClinVar ID: 549531). Computational predictors suggest that the variant does not impact GLIS3 function. Due to limited information, and based on the ACMG/AMP guidelines for variant interpretation (Richards S et al., PMID: 25741868), the clinical significance of this variant is uncertain at this time.

Labcorp Genetics (formerly Invitae), Labcorp
Classification: Uncertain significance. Last evaluated: 2022-03-27. Review status: criteria provided, single submitter. Criteria: Invitae Variant Classification Sherloc (09022015). Collection method: clinical testing. Allele origin: germline.
Comment: This sequence change replaces glycine, which is neutral and non-polar, with valine, which is neutral and non-polar, at codon 230 of the GLIS3 protein (p.Gly230Val). This variant is present in population databases (rs200959196, gnomAD 0.03%). This variant has not been reported in the literature in individuals affected with GLIS3-related conditions. ClinVar contains an entry for this variant (Variation ID: 549531). Algorithms developed to predict the effect of missense changes on protein structure and function are either unavailable or do not agree on the potential impact of this missense change (SIFT: "Deleterious"; PolyPhen-2: "Benign"; Align-GVGD: "Class C0"). In summary, the available evidence is currently insufficient to determine the role of this variant in disease. Therefore, it has been classified as a Variant of Uncertain Significance.

Fulgent Genetics
Classification: Uncertain significance for Neonatal diabetes mellitus with congenital hypothyroidism. Last evaluated: 2021-07-07. Review status: criteria provided, single submitter. Criteria: ACMG Guidelines, 2015. Collection method: clinical testing. Allele origin: unknown.

Personalized Diabetes Medicine Program, University of Maryland School of Medicine
Classification: Uncertain significance for Monogenic diabetes. Last evaluated: 2017-08-01. Review status: criteria provided, single submitter. Criteria: ACMG Guidelines, 2015. Collection method: research. Allele origin: unknown. Observed: 1 variant allele, 1 heterozygote. Study: Personalized Diabetes Medicine Program.
Comment: ACMG Criteria:BP4 (9 predictors)

Clinical Genomics, Uppaluri K&H Personalized Medicine Clinic
Classification: Uncertain significance for Neonatal diabetes mellitus with congenital hypothyroidism. Review status: criteria provided, single submitter. Criteria: K & H Uppaluri Personalized Medicine Clinic Variant Classification & Assertion Criteria_Updated V.1. Collection method: research. Allele origin: unknown.
Comment: Potent mutations in GLIS3 predisposes to neonatal diabetes mellitus with an extra pancreatic manifestation of hypothyroidism. It also predisposes to early onset diabetes in adults.However no sufficient evidence is found to ascertain the role of this particular variant rs200959196, yet.

Literature cited by the submitters: PubMed 32693112 (cited by Clinical Genomics, Uppaluri K&H Personalized Medicine Clinic); PubMed 27899417 (cited by Clinical Genomics, Uppaluri K&H Personalized Medicine Clinic); PubMed 29992946 (cited by Clinical Genomics, Uppaluri K&H Personalized Medicine Clinic); PubMed 35394098 (cited by Clinical Genomics, Uppaluri K&H Personalized Medicine Clinic); PubMed 29146476 (cited by Clinical Genomics, Uppaluri K&H Personalized Medicine Clinic).

NM_001042413.2(GLIS3):c.1154G>T (p.Gly385Val)

Gene: GLIS3 (GLIS family zinc finger 3; minus strand). Cytogenetic location: 9p24.2.
Variant type: single nucleotide variant.
Coding change: c.1154G>T on transcript NM_001042413.2 (MANE Select); coding-DNA position 1154, G replaced by T.
Protein change: p.Gly385Val; replaces glycine 385 with valine.
Molecular consequence: missense variant.
Genome position (GRCh38, 1-based): chr9:4,118,324, C>A on the plus strand (G>T on the coding strand, the complement: GLIS3 is on the minus strand). VCF-style: chr9-4118324-C-A. GRCh37 (hg19) VCF-style: chr9-4118324-C-A.
Other names: c.689G>T, p.Gly230Val (NM_152629.4); short protein forms G385V, G230V.
Identifiers: ClinVar variation 549531 (VCV000549531.9), dbSNP rs200959196, ClinGen allele CA4968285.